The following is an entry in ClinVar:

ClinVar aggregate classification (germline): Pathogenic (0 of 4 stars; one submission).

Conditions:
SOD1-related disorder. Also called: SOD1-related condition.

Submission:

PreventionGenetics, part of Exact Sciences
Classification: Pathogenic for SOD1-related condition. Last evaluated: 2024-09-28. Review status: no assertion criteria provided. Collection method: clinical testing. Allele origin: germline.
Comment: The SOD1 c.32G>C variant is predicted to result in the amino acid substitution p.Gly11Ala. This variant has been reported in several individuals with amyotrophic lateral sclerosis (see for example, Soong et al. 2014. PubMed ID: 24908169, reported as p.G10A; Cai et al. 2022. PubMed ID: 35193472; Supp Table 1, Hu et al. 2023. PubMed ID: 37952009). This variant has not been reported in a large population database, indicating it is rare. Missense variants in SOD1 are a common mechanism of disease, and alternative missense variants affecting this residue (for example, p.Gly11Val) have been associated with ALS (Moreira. 2013. PubMed ID: 24312616 ). Taken together, the c.32G>C (p.Gly11Ala) variant is interpreted as pathogenic.

NM_000454.5(SOD1):c.32G>C (p.Gly11Ala)

Genes: SOD1 (superoxide dismutase 1; plus strand), SOD1-DT (SOD1 divergent transcript; minus strand). Cytogenetic location: 21q22.11.
Variant type: single nucleotide variant.
Coding change: c.32G>C on transcript NM_000454.5 (MANE Select); coding-DNA position 32, G replaced by C.
Protein change: p.Gly11Ala; replaces glycine 11 with alanine.
Molecular consequence: missense variant. On other transcripts: non-coding transcript variant (1).
Genome position (GRCh38, 1-based): chr21:31,659,801, G>C. VCF-style: chr21-31659801-G-C. GRCh37 (hg19) VCF-style: chr21-33032114-G-C.
Other names: short protein forms G11A.
Identifiers: ClinVar variation 3345429 (VCV003345429.1).